The following is an entry in ClinVar:

ClinVar aggregate classification (germline): Uncertain significance (1 of 4 stars; one submission).

Conditions:
Perlman syndrome (PRLMNS). Identifiers: Orphanet 2849, MedGen C0796113, MONDO:0009965, OMIM 267000.

Allele frequency attached by ClinVar (database versions not stated): TOPMed below 0.00001; gnomAD 0.00001.
gnomAD v4.1: 1 of 1,550,782 alleles (0.000064%); highest among the groups gnomAD compares: African/African-American, 0.0014%; no homozygotes.

Submission:

Labcorp Genetics (formerly Invitae), Labcorp
Classification: Uncertain significance for Perlman syndrome. Last evaluated: 2021-09-19. Review status: criteria provided, single submitter. Criteria: Invitae Variant Classification Sherloc (09022015). Collection method: clinical testing. Allele origin: germline.
Comment: This sequence change replaces proline with leucine at codon 822 of the DIS3L2 protein (p.Pro822Leu). The proline residue is moderately conserved and there is a moderate physicochemical difference between proline and leucine. In summary, the available evidence is currently insufficient to determine the role of this variant in disease. Therefore, it has been classified as a Variant of Uncertain Significance. Algorithms developed to predict the effect of missense changes on protein structure and function (SIFT, PolyPhen-2, Align-GVGD) all suggest that this variant is likely to be tolerated. This variant has not been reported in the literature in individuals affected with DIS3L2-related conditions. This variant is not present in population databases (ExAC no frequency).

NM_152383.5(DIS3L2):c.2465C>T (p.Pro822Leu)

Gene: DIS3L2 (DIS3 like 3'-5' exoribonuclease 2; plus strand). Cytogenetic location: 2q37.1.
Variant type: single nucleotide variant.
Coding change: c.2465C>T on transcript NM_152383.5 (MANE Select); coding-DNA position 2465, C replaced by T.
Protein change: p.Pro822Leu; replaces proline 822 with leucine.
Molecular consequence: missense variant. On other transcripts: non-coding transcript variant (2), intron variant (1).
Genome position (GRCh38, 1-based): chr2:232,335,843, C>T. VCF-style: chr2-232335843-C-T. GRCh37 (hg19) VCF-style: chr2-233200553-C-T.
Other names: c.1582-7502C>T (NM_001257281.2); short protein forms P822L.
Identifiers: ClinVar variation 1395476 (VCV001395476.6), dbSNP rs1014367070, ClinGen allele CA66931884.
Genomic context (GRCh38, chr2:232,335,843, plus strand): 5'-TGCGGTCCCACCACTTCCAGAAGGTGGGCAAGAAGCCGGAACTCACGCTGGTCTGGGAGC[C>T]TGAGGACATGGAGCAGGAGCCAGCACAGCAGGTCAGAACCCCTCTGTGTCCCAGCCCCCT-3'
Protein context (NP_689596.4, residues 812-832): KKPELTLVWE[Pro822Leu]EDMEQEPAQQ